The following is an entry in ClinVar:

NM_153704.6(TMEM67):c.637C>T (p.Arg213Cys)

Gene: TMEM67 (transmembrane protein 67; plus strand). Cytogenetic location: 8q22.1.
Variant type: single nucleotide variant.
Coding change: c.637C>T on transcript NM_153704.6 (MANE Select); coding-DNA position 637, C replaced by T.
Protein change: p.Arg213Cys; replaces arginine 213 with cysteine.
Molecular consequence: missense variant. On other transcripts: non-coding transcript variant (1).
Genome position (GRCh38, 1-based): chr8:93,765,632, C>T. VCF-style: chr8-93765632-C-T. GRCh37 (hg19) VCF-style: chr8-94777860-C-T.
Other names: c.394C>T, p.Arg132Cys (NM_001142301.1); short protein forms R213C, R132C.
Identifiers: ClinVar variation 3595959 (VCV003595959.3).
Genomic context (GRCh38, chr8:93,765,632, plus strand): 5'-ACAGGGGGATTATGTTTCAGCAGCACAGGGAATTTTCCTCTACGTAGAATTTCAGCTGCA[C>T]GTTATGGAGAAGTTGTGAGTATGTTTCAATTTTTTTGTTCTGTTGTTAAAAAACTTTCTA-3'
Protein context (NP_714915.3, residues 203-223): NFPLRRISAA[Arg213Cys]YGEVGMSLTS

ClinVar aggregate classification (germline): Pathogenic/Likely pathogenic. Review status: criteria provided, multiple submitters, no conflicts (2 of 4 stars). 2 submissions from 2 submitters: Pathogenic (1); Likely pathogenic (1). Last evaluated 2024-02-18.

Conditions:
Bardet-Biedl syndrome 14 (BBS14). Identifiers: Orphanet 110, MedGen C2673874, MONDO:0014442, OMIM 615991.
COACH syndrome 1. Identifiers: Orphanet 1454, MedGen C5435651, MONDO:0800103, OMIM 216360, MONDO:0008996.
Nephronophthisis 11 (NPHP11). Identifiers: Orphanet 84081, MedGen C3150796, MONDO:0013302, OMIM 613550.
Joubert syndrome 6 (JBTS6). Identifiers: Orphanet 475, MedGen C1853153, MONDO:0012539, OMIM 610688.
Meckel syndrome, type 3 (MKS3). Also called: MECKEL-GRUBER SYNDROME, TYPE 3. Identifiers: Orphanet 564, MedGen C1846357, MONDO:0011821, OMIM 607361.
RHYNS syndrome. Also called: RETINITIS PIGMENTOSA SYNDROME; RETINITIS PIGMENTOSA, HYPOPITUITARISM, NEPHRONOPHTHISIS, AND MILD SKELETAL DYSPLASIA. Identifiers: Orphanet 140976, MedGen C1865794, MONDO:0011202, OMIM 602152.
Joubert syndrome. Also called: CEREBELLOPARENCHYMAL DISORDER IV; JOUBERT-BOLTSHAUSER SYNDROME; Familial aplasia of the vermis. Identifiers: Orphanet 475, MedGen C5979921, MONDO:0018772.
Meckel-Gruber syndrome. Also called: DYSENCEPHALIA SPLANCHNOCYSTICA; GRUBER SYNDROME; Dysencephalia splachnocystica. Identifiers: Orphanet 564, MedGen C0265215, MONDO:0018921.

gnomAD v4.1: 7 of 1,610,842 alleles (0.00043%); highest among the groups gnomAD compares: Admixed American, 0.0017%; no homozygotes.

Submissions (2):

Fulgent Genetics
Classification: Likely pathogenic for COACH syndrome 1; RHYNS syndrome; Meckel syndrome, type 3; Joubert syndrome 6; Nephronophthisis 11; Bardet-Biedl syndrome 14. Last evaluated: 2024-02-18. Review status: criteria provided, single submitter. Criteria: ACMG Guidelines, 2015. Collection method: clinical testing. Allele origin: germline.

Labcorp Genetics (formerly Invitae), Labcorp
Classification: Pathogenic for Joubert syndrome; Meckel-Gruber syndrome. Last evaluated: 2024-02-18. Review status: criteria provided, single submitter. Criteria: Invitae Variant Classification Sherloc (09022015). Collection method: clinical testing. Allele origin: germline.
Comment: This sequence change replaces arginine, which is basic and polar, with cysteine, which is neutral and slightly polar, at codon 213 of the TMEM67 protein (p.Arg213Cys). This variant is present in population databases (no rsID available, gnomAD 0.003%). This missense change has been observed in individual(s) with clinical features of TMEM67-related conditions (PMID: 17160906, 31730820, 34032358). In at least one individual the data is consistent with being in trans (on the opposite chromosome) from a pathogenic variant. Advanced modeling of protein sequence and biophysical properties (such as structural, functional, and spatial information, amino acid conservation, physicochemical variation, residue mobility, and thermodynamic stability) performed at Invitae indicates that this missense variant is expected to disrupt TMEM67 protein function with a positive predictive value of 95%. This variant disrupts the p.Arg213 amino acid residue in TMEM67. Other variant(s) that disrupt this residue have been determined to be pathogenic (PMID: 17160906; Invitae). This suggests that this residue is clinically significant, and that variants that disrupt this residue are likely to be disease-causing. For these reasons, this variant has been classified as Pathogenic.

Literature cited by the submitters: PubMed 17160906 (cited by Labcorp Genetics (formerly Invitae), Labcorp); PubMed 31730820 (cited by Labcorp Genetics (formerly Invitae), Labcorp); PubMed 34032358 (cited by Labcorp Genetics (formerly Invitae), Labcorp).